The following is an entry in ClinVar:

ClinVar aggregate classification (germline): Uncertain significance (1 of 4 stars; one submission).

Submission:

Labcorp Genetics (formerly Invitae), Labcorp
Classification: Uncertain significance. Last evaluated: 2025-08-21. Review status: criteria provided, single submitter. Criteria: Invitae Variant Classification Sherloc (09022015). Collection method: clinical testing. Allele origin: germline.
Comment: This sequence change creates a premature translational stop signal (p.Ala145Glyfs*21) in the UNC119 gene. It is expected to result in an absent or disrupted protein product. However, the current clinical and genetic evidence is not sufficient to establish whether loss-of-function variants in UNC119 cause disease. This variant is not present in population databases (gnomAD no frequency). This variant has not been reported in the literature in individuals affected with UNC119-related conditions. ClinVar contains an entry for this variant (Variation ID: 2860496). Algorithms developed to predict the effect of sequence changes on RNA splicing suggest that this variant may disrupt the consensus splice site. In summary, the available evidence is currently insufficient to determine the role of this variant in disease. Therefore, it has been classified as a Variant of Uncertain Significance.

NM_005148.4(UNC119):c.423_433dup (p.Ala145fs)

Gene: UNC119 (unc-119 lipid binding chaperone; minus strand). Cytogenetic location: 17q11.2.
Variant type: Duplication.
Coding change: c.423_433dup on transcript NM_005148.4 (MANE Select); coding-DNA positions 423 to 433, 11 bases duplicated (GCAGGTGGGAG).
Protein change: p.Ala145fs; shifts the reading frame from alanine 145.
Molecular consequence: frameshift variant.
Genome position (GRCh38, 1-based): chr17:28,548,003-28,548,013, CTCCCACCTGC duplicated on the plus strand (GCAGGTGGGAG on the coding strand, the reverse complement: UNC119 is on the minus strand); duplicating any 11 consecutive bases within chr17:28,548,003-28,548,016 gives the same sequence; the c. name uses the placement nearest the transcript's 3' end. VCF-style (leftmost placement, unchanged base first): chr17-28548002-G-GCTCCCACCTGC. GRCh37 (hg19) VCF-style: chr17-26875020-G-GCTCCCACCTGC.
Other names: c.138_148dup, p.Ala50fs (NM_001330166.2); c.423_433dup, p.Ala145fs (NM_054035.2); short protein forms A50fs, A145fs.
Identifiers: ClinVar variation 2860496 (VCV002860496.3), dbSNP rs2070228302, ClinGen allele CA2254357067.